The following is an entry in ClinVar:

ClinVar aggregate classification (germline): Uncertain significance. Review status: criteria provided, multiple submitters, no conflicts (2 of 4 stars). 6 submissions from 6 submitters: Uncertain significance (6). Last evaluated 2026-09-22.

Conditions:
Cardiovascular phenotype. Identifiers: MedGen CN230736.
TNXB-related disorder. Also called: TNXB-related condition.
Vesicoureteral reflux 8 (VUR8). Identifiers: Orphanet 289365, MedGen C4014831, MONDO:0014422, OMIM 615963.
Ehlers-Danlos syndrome due to tenascin-X deficiency (EDSCLL1). Also called: EDS DUE TO TNX DEFICIENCY; TNXB-Related Classical-Like Ehlers-Danlos Syndrome; TNX DEFICIENCY; EHLERS-DANLOS SYNDROME, CLASSIC-LIKE; Ehlers-Danlos syndrome, classic-like, 1. Identifiers: Orphanet 230839, MedGen C1848029, MONDO:0011670, OMIM 606408.

Allele frequency attached by ClinVar (database versions not stated): gnomAD exomes 0.00007 and 0.00015; ExAC 0.00019; ESP Exome Variant Server 0.00024; TOPMed 0.00031; 1000 Genomes Project 0.00040; gnomAD 0.00040 and 0.00043; 1000 Genomes Project 30x 0.00047.
gnomAD v4.1: 170 of 1,613,706 alleles (0.011%); highest among the groups gnomAD compares: African/African-American, 0.1%; no homozygotes.

Submissions (6):

PreventionGenetics, part of Exact Sciences
Classification: Uncertain significance for TNXB-related condition. Last evaluated: 2026-09-22. Review status: criteria provided, single submitter. Criteria: ACMG Guidelines, 2015. Collection method: clinical testing. Allele origin: germline.
Comment: The TNXB c.2083C>T variant is predicted to result in the amino acid substitution p.Arg695Trp. This variant, along with variants in other genes related to muscle phenotypes, has been reported in the heterozygous state in an individual with limb girdle muscular dystrophy (Additional file 2, Fichna et al. 2018. PubMed ID: 29970176). This variant has also been reported in the heterozygous state and with uncertain significance in an individual with hypermobile Ehlers–Danlos syndrome (Rashed et al. 2022. PubMed ID: 35000503). This variant is reported in 0.11% of alleles in individuals of African descent in gnomAD. At this time, the clinical significance of this variant is uncertain due to the absence of conclusive functional and genetic evidence.

Women's Health and Genetics/Laboratory Corporation of America, LabCorp
Classification: Uncertain significance. Last evaluated: 2026-04-21. Review status: criteria provided, single submitter. Criteria: LabCorp Variant Classification Summary - May 2015. Collection method: clinical testing. Allele origin: germline.
Comment: Variant summary: TNXB c.2083C>T (p.Arg695Trp) results in a non-conservative amino acid change in the encoded protein sequence. Algorithms developed to predict the effect of missense changes on protein structure and function are either unavailable or do not agree on the potential impact of this missense change. The variant allele was found at a frequency of 0.00015 in 247198 control chromosomes. This frequency is not significantly higher than estimated for disease-causing variants in TNXB, allowing no conclusion about variant significance. To our knowledge, no occurrence of c.2083C>T in individuals affected with TNXB-related conditions and no experimental evidence demonstrating its impact on protein function have been reported. ClinVar contains an entry for this variant (Variation ID: 1191032). Based on the evidence outlined above, the variant was classified as uncertain significance.

Mayo Clinic Laboratories, Mayo Clinic
Classification: Uncertain significance. Last evaluated: 2024-06-19. Review status: criteria provided, single submitter. Criteria: ACMG Guidelines, 2015. Collection method: clinical testing. Allele origin: germline. Observed: 1 variant allele.
Comment: BP4

GeneDx
Classification: Uncertain significance. Last evaluated: 2024-05-06. Review status: criteria provided, single submitter. Criteria: GeneDx Variant Classification Process June 2021. Collection method: clinical testing. Allele origin: germline. Affected: yes.
Comment: Identified in patients with hypermobile-EDS (hEDS) and clinically diagnosed limb girdle muscular dystrophy (LGMD); both patients harbored additional cardiogenetic variants (PMID: 29970176, 35000503); In silico analysis supports that this missense variant has a deleterious effect on protein structure/function; This variant is associated with the following publications: (PMID: 29970176, 35000503)

Ambry Genetics
Classification: Uncertain significance for Cardiovascular phenotype. Last evaluated: 2023-10-25. Review status: criteria provided, single submitter. Criteria: Ambry Variant Classification Scheme 2023. Collection method: clinical testing. Allele origin: germline.
Comment: The p.R695W variant (also known as c.2083C>T), located in coding exon 2 of the TNXB gene, results from a C to T substitution at nucleotide position 2083. The arginine at codon 695 is replaced by tryptophan, an amino acid with dissimilar properties. This variant was detected in the heterozygous state and co-occurred with variants in other genes in an individual from a limb girdle muscular dystrophy cohort and an individual with hypermobile Ehlers-Danlos syndrome (Rashed ER et al. Vasc Med, 2022 Jun;27:283-289; Fichna JP et al. Hum Genomics, 2018 Jul;12:34). This amino acid position is well conserved in available vertebrate species. In addition, this alteration is predicted to be tolerated by in silico analysis. Since supporting evidence is limited at this time, the clinical significance of this alteration remains unclear.

Fulgent Genetics
Classification: Uncertain significance for Ehlers-Danlos syndrome due to tenascin-X deficiency; Vesicoureteral reflux 8. Last evaluated: 2021-12-10. Review status: criteria provided, single submitter. Criteria: ACMG Guidelines, 2015. Collection method: clinical testing. Allele origin: unknown.

Literature cited by the submitters: PubMed 29970176 (cited by Mayo Clinic Laboratories, Mayo Clinic and Ambry Genetics); PubMed 35000503 (cited by Mayo Clinic Laboratories, Mayo Clinic and Ambry Genetics).

NM_001365276.2(TNXB):c.2083C>T (p.Arg695Trp)

Gene: TNXB (tenascin XB; minus strand). Cytogenetic location: 6p21.33.
Variant type: single nucleotide variant.
Coding change: c.2083C>T on transcript NM_001365276.2 (MANE Select); coding-DNA position 2083, C replaced by T.
Protein change: p.Arg695Trp; replaces arginine 695 with tryptophan.
Molecular consequence: missense variant.
Genome position (GRCh38, 1-based): chr6:32,095,770, G>A on the plus strand (C>T on the coding strand, the complement: TNXB is on the minus strand). VCF-style: chr6-32095770-G-A. GRCh37 (hg19) VCF-style: chr6-32063547-G-A.
Other names: p.Arg695Trp; c.2083C>T, p.Arg695Trp (NM_019105.8); short protein forms R695W.
Identifiers: ClinVar variation 1191032 (VCV001191032.12), dbSNP rs369143302, ClinGen allele CA3735560.